The following is an entry in ClinVar:

ClinVar aggregate classification (germline): Likely benign (1 of 4 stars; one submission).

Submission:

CeGaT Center for Human Genetics Tuebingen
Classification: Likely benign. Last evaluated: 2025-03-01. Review status: criteria provided, single submitter. Criteria: CeGaT Center For Human Genetics Tuebingen Variant Classification Criteria Version 2. Collection method: clinical testing. Allele origin: germline. Affected: yes. Observed: 6 variant alleles.
Comment: SEC16A: PM4, BS2

NM_014866.2(SEC16A):c.1096TCAGGAGCT[1] (p.366SGA[1])

Gene: SEC16A (SEC16 homolog A, endoplasmic reticulum export factor; minus strand). Cytogenetic location: 9q34.3.
Variant type: Microsatellite.
Coding change: c.1096TCAGGAGCT[1] on transcript NM_014866.2 (MANE Select); one copy of the 9-base unit TCAGGAGCT starting at c.1096; the reference has two copies in a row; one copy, 9 bases deleted.
Protein change: p.366SGA[1].
Molecular consequence: inframe deletion.
Genome position (GRCh38, 1-based): chr9:136,476,503-136,476,511, AGCTCCTGA deleted on the plus strand (TCAGGAGCT on the coding strand, the reverse complement: SEC16A is on the minus strand); deleting any 9 consecutive bases within chr9:136,476,503-136,476,520 gives the same sequence; the position shown is the placement nearest the transcript's 3' end. VCF-style (leftmost placement, unchanged base first): chr9-136476502-GAGCTCCTGA-G. GRCh37 (hg19) VCF-style: chr9-139370954-GAGCTCCTGA-G.
Other names: c.1096TCAGGAGCT[1], p.366SGA[1] (NM_001276418.2).
Identifiers: ClinVar variation 2659741 (VCV002659741.24), dbSNP rs545335424, ClinGen allele CA5339194.